The following is an entry in ClinVar:

NM_003640.5(ELP1):c.1461-1G>A

Gene: ELP1 (elongator acetyltransferase complex subunit 1; minus strand). Cytogenetic location: 9q31.3.
Variant type: single nucleotide variant.
Coding change: c.1461-1G>A on transcript NM_003640.5 (MANE Select); the canonical splice acceptor site of the intron before coding-DNA position 1461, G replaced by A.
Molecular consequence: splice acceptor variant.
Genome position (GRCh38, 1-based): chr9:108,906,486, C>T on the plus strand (G>A on the coding strand, the complement: ELP1 is on the minus strand). VCF-style: chr9-108906486-C-T. GRCh37 (hg19) VCF-style: chr9-111668766-C-T.
Other names: c.1119-1G>A (NM_001318360.2); c.414-1G>A (NM_001330749.2).
Identifiers: ClinVar variation 556902 (VCV000556902.9), dbSNP rs539544212, ClinGen allele CA5174997.
Genomic context (GRCh38, chr9:108,906,486, plus strand): 5'-GTGAGAAGGCCTAGTTTCAGCGGGTTTACATCTTGATCTTCATTATTCTCAAACTGGATT[C>T]TATTGTAAATATTGAAGAATATCCAAGACATGAATAAAACTTAAAAACCACTGAGACGTT-3'

ClinVar aggregate classification (germline): Conflicting classifications of pathogenicity. Review status: criteria provided, conflicting classifications (1 of 4 stars). 4 submissions from 4 submitters: Likely pathogenic (2); Uncertain significance (1). 1 of the submissions does not count toward it. Last evaluated 2026-02-19.

Conditions:
Familial dysautonomia. Also called: FD; HSAN III. Identifiers: Orphanet 1764, MedGen C0013364, MONDO:0009131, OMIM 223900. Disease mechanism: loss of function.
Medulloblastoma (MDB). Also called: MEDULLOBLASTOMA PREDISPOSITION SYNDROME; Medulloblastoma, somatic. Identifiers: Orphanet 616, MedGen C0025149, MeSH D008527, MONDO:0007959, OMIM 155255, HP:0002885.

Allele frequency attached by ClinVar (database versions not stated): gnomAD exomes below 0.00001 and 0.00001; TOPMed below 0.00001; ExAC 0.00001; gnomAD 0.00001; 1000 Genomes Project 30x 0.00016; 1000 Genomes Project 0.00020.
gnomAD v4.1: 2 of 1,612,052 alleles (0.00012%); highest among the groups gnomAD compares: South Asian, 0.0011%; no homozygotes.

Submissions (4):

Myriad Genetics, Inc.
Classification: Uncertain significance for Familial dysautonomia. Last evaluated: 2026-02-19. Review status: criteria provided, single submitter. Criteria: Myriad Autosomal Dominant, Autosomal Recessive and X-Linked Classification Criteria (2023). Collection method: clinical testing. Allele origin: unknown.
Comment: NM_003640.3(ELP1):c.1461-1G>A is a variant in a canonical splice site classified as a variant of uncertain significance in the context of familial dysautonomia. c.1461-1G>A has not been observed in cases with relevant disease. Relevant functional assessments of this variant are not available in the literature. c.1461-1G>A has been observed in referenced population frequency databases. In summary, there is insufficient evidence to classify NM_003640.3(ELP1):c.1461-1G>A as pathogenic or benign. Please note: this variant was assessed in the context of healthy population screening.

Fulgent Genetics
Classification: Likely pathogenic for Medulloblastoma; Familial dysautonomia. Last evaluated: 2024-04-09. Review status: criteria provided, single submitter. Criteria: ACMG Guidelines, 2015. Collection method: clinical testing. Allele origin: germline.

Labcorp Genetics (formerly Invitae), Labcorp
Classification: Likely pathogenic. Last evaluated: 2022-06-19. Review status: criteria provided, single submitter. Criteria: Invitae Variant Classification Sherloc (09022015). Collection method: clinical testing. Allele origin: germline.
Comment: In summary, the currently available evidence indicates that the variant is pathogenic, but additional data are needed to prove that conclusively. Therefore, this variant has been classified as Likely Pathogenic. Algorithms developed to predict the effect of sequence changes on RNA splicing suggest that this variant may disrupt the consensus splice site. ClinVar contains an entry for this variant (Variation ID: 556902). This variant has not been reported in the literature in individuals affected with ELP1-related conditions. This variant is present in population databases (rs539544212, gnomAD 0.003%). This sequence change affects an acceptor splice site in intron 13 of the ELP1 gene. It is expected to disrupt RNA splicing. Variants that disrupt the donor or acceptor splice site typically lead to a loss of protein function (PMID: 16199547), and loss-of-function variants in ELP1 are known to be pathogenic (PMID: 18303054, 24173031).

Counsyl
Classification: Likely pathogenic for Familial dysautonomia. Last evaluated: 2018-02-26. Review status: no assertion criteria provided. Collection method: clinical testing. Allele origin: unknown. Not counted in ClinVar's aggregate classification.

Literature cited by the submitters: PubMed 16199547 (cited by Labcorp Genetics (formerly Invitae), Labcorp); PubMed 18303054 (cited by Labcorp Genetics (formerly Invitae), Labcorp); PubMed 24173031 (cited by Labcorp Genetics (formerly Invitae), Labcorp).